The following is an entry in ClinVar:

NM_002772.3(TMPRSS15):c.5G>C (p.Gly2Ala)

Gene: TMPRSS15 (transmembrane serine protease 15; minus strand). Cytogenetic location: 21q21.1.
Variant type: single nucleotide variant.
Coding change: c.5G>C on transcript NM_002772.3 (MANE Select); coding-DNA position 5, G replaced by C.
Protein change: p.Gly2Ala; replaces glycine 2 with alanine.
Molecular consequence: missense variant.
Genome position (GRCh38, 1-based): chr21:18,403,618, C>G on the plus strand (G>C on the coding strand, the complement: TMPRSS15 is on the minus strand). VCF-style: chr21-18403618-C-G. GRCh37 (hg19) VCF-style: chr21-19775935-C-G.
Other names: short protein forms G2A.
Identifiers: ClinVar variation 2111388 (VCV002111388.1), dbSNP rs761551842, ClinGen allele CA409853995.

ClinVar aggregate classification (germline): Uncertain significance (1 of 4 stars; one submission).

gnomAD v4.1: 1 of 1,613,940 alleles (0.000062%); highest among the groups gnomAD compares: African/African-American, 0.0013%; no homozygotes.

Submission:

Labcorp Genetics (formerly Invitae), Labcorp
Classification: Uncertain significance. Last evaluated: 2022-03-13. Review status: criteria provided, single submitter. Criteria: Invitae Variant Classification Sherloc (09022015). Collection method: clinical testing. Allele origin: germline.
Comment: This sequence change replaces glycine, which is neutral and non-polar, with alanine, which is neutral and non-polar, at codon 2 of the TMPRSS15 protein (p.Gly2Ala). This variant is not present in population databases (gnomAD no frequency). This variant has not been reported in the literature in individuals affected with TMPRSS15-related conditions. Algorithms developed to predict the effect of missense changes on protein structure and function are either unavailable or do not agree on the potential impact of this missense change (SIFT: "Not Available"; PolyPhen-2: "Benign"; Align-GVGD: "Not Available"). In summary, the available evidence is currently insufficient to determine the role of this variant in disease. Therefore, it has been classified as a Variant of Uncertain Significance.